The following is an entry in ClinVar:

ClinVar aggregate classification (germline): Likely benign. Review status: criteria provided, multiple submitters, no conflicts (2 of 4 stars). 3 submissions from 3 submitters: Likely benign (3). Last evaluated 2025-10-08.

Conditions:
Hereditary cancer-predisposing syndrome. Also called: Hereditary Cancer Syndrome; Neoplastic Syndromes, Hereditary; Hereditary neoplastic syndrome; Tumor predisposition. Identifiers: Orphanet 140162, MedGen C0027672, MeSH D009386, MONDO:0015356.
Familial adenomatous polyposis 1 (FAP1). Also called: POLYPOSIS, ADENOMATOUS INTESTINAL; FAMILIAL ADENOMATOUS POLYPOSIS 1, ATTENUATED. Identifiers: MedGen C2713442, MONDO:0021056, OMIM 175100. Disease mechanism: loss of function.

Submissions (3):

Ambry Genetics
Classification: Likely benign for Hereditary cancer-predisposing syndrome. Last evaluated: 2025-10-08. Review status: criteria provided, single submitter. Criteria: Ambry Variant Classification Scheme 2023. Collection method: clinical testing. Allele origin: germline.

CeGaT Center for Human Genetics Tuebingen
Classification: Likely benign. Last evaluated: 2025-08-01. Review status: criteria provided, single submitter. Criteria: CeGaT Center For Human Genetics Tuebingen Variant Classification Criteria Version 2. Collection method: clinical testing. Allele origin: germline. Affected: yes. Observed: 1 variant allele.
Comment: APC: PM2:Supporting, BP4, BP7

Labcorp Genetics (formerly Invitae), Labcorp
Classification: Likely benign for Familial adenomatous polyposis 1. Last evaluated: 2021-05-07. Review status: criteria provided, single submitter. Criteria: Invitae Variant Classification Sherloc (09022015). Collection method: clinical testing. Allele origin: germline.

NM_000038.6(APC):c.4083C>A (p.Pro1361=)

Gene: APC (APC regulator of Wnt signaling pathway; plus strand). Cytogenetic location: 5q22.2.
Variant type: single nucleotide variant.
Coding change: c.4083C>A on transcript NM_000038.6 (MANE Select); coding-DNA position 4083, C replaced by A.
Protein change: p.Pro1361=; no amino-acid change (proline 1361 retained).
Molecular consequence: synonymous variant.
Genome position (GRCh38, 1-based): chr5:112,839,677, C>A. VCF-style: chr5-112839677-C-A. GRCh37 (hg19) VCF-style: chr5-112175374-C-A.
Other names: c.4083C>A (NM_000038.5); c.4083C>A, p.Pro1361= (NM_001127510.3, NM_001354895.2); c.4029C>A, p.Pro1343= (NM_001127511.3); c.4137C>A, p.Pro1379= (NM_001354896.2); c.4113C>A, p.Pro1371= (NM_001354897.2); c.4008C>A, p.Pro1336= (NM_001354898.2); c.3999C>A, p.Pro1333= (NM_001354899.2); c.3960C>A, p.Pro1320= (NM_001354900.2); and 6 more.
Identifiers: ClinVar variation 1634040 (VCV001634040.16), dbSNP rs1464598628, ClinGen allele CA445964097.